The following is an entry in ClinVar:

ClinVar aggregate classification (germline): Benign/Likely benign. Review status: criteria provided, multiple submitters, no conflicts (2 of 4 stars). 3 submissions from 3 submitters: Benign (1); Likely benign (2). Last evaluated 2026-06-17.

Conditions:
Gastrointestinal stromal tumor. Also called: Gastrointestinal stroma tumor; Gastrointestinal stromal tumor, somatic. Identifiers: Orphanet 44890, MedGen C0238198, MeSH D046152, MONDO:0011719, OMIM 606764, HP:0100723.
Polyps, multiple and recurrent inflammatory fibroid, gastrointestinal. Identifiers: MedGen C5193005, MONDO:0008285, OMIM 175510.
Hereditary cancer-predisposing syndrome. Also called: Neoplastic Syndromes, Hereditary; Hereditary Cancer Syndrome; Hereditary neoplastic syndrome; Tumor predisposition. Identifiers: Orphanet 140162, MedGen C0027672, MeSH D009386, MONDO:0015356.

Allele frequency attached by ClinVar (database versions not stated): gnomAD exomes below 0.00001 and 0.00001; ExAC 0.00002; gnomAD 0.00002 and 0.00003; TOPMed 0.00002; 1000 Genomes Project 0.00020; 1000 Genomes Project 30x 0.00031.
gnomAD v4.1: 9 of 1,614,112 alleles (0.00056%); highest among the groups gnomAD compares: African/African-American, 0.011%; no homozygotes.

Submissions (3):

Myriad Genetics, Inc.
Classification: Benign for Polyps, multiple and recurrent inflammatory fibroid, gastrointestinal. Last evaluated: 2026-06-17. Review status: criteria provided, single submitter. Criteria: Myriad Autosomal Dominant, Autosomal Recessive and X-Linked Classification Criteria (2023). Collection method: clinical testing. Allele origin: unknown.
Comment: This variant is considered benign. This variant is a silent/synonymous amino acid change and it is not expected to impact splicing.

Labcorp Genetics (formerly Invitae), Labcorp
Classification: Likely benign for Gastrointestinal stromal tumor. Last evaluated: 2025-11-17. Review status: criteria provided, single submitter. Criteria: Invitae Variant Classification Sherloc (09022015). Collection method: clinical testing. Allele origin: germline.

Ambry Genetics
Classification: Likely benign for Hereditary cancer-predisposing syndrome. Last evaluated: 2022-04-23. Review status: criteria provided, single submitter. Criteria: Ambry Variant Classification Scheme 2023. Collection method: clinical testing. Allele origin: germline.

NM_006206.6(PDGFRA):c.1393T>C (p.Leu465=)

Gene: PDGFRA (platelet derived growth factor receptor alpha; plus strand). Cytogenetic location: 4q12.
Variant type: single nucleotide variant.
Coding change: c.1393T>C on transcript NM_006206.6 (MANE Select); coding-DNA position 1393, T replaced by C.
Protein change: p.Leu465=; no amino-acid change (leucine 465 retained).
Molecular consequence: synonymous variant.
Genome position (GRCh38, 1-based): chr4:54,273,565, T>C. VCF-style: chr4-54273565-T-C. GRCh37 (hg19) VCF-style: chr4-55139732-T-C.
Other names: c.1393T>C, p.Leu465= (NM_001347827.2, NM_001347829.2); c.1468T>C, p.Leu490= (NM_001347828.2); c.1432T>C, p.Leu478= (NM_001347830.2).
Identifiers: ClinVar variation 1092675 (VCV001092675.12), dbSNP rs573232299, ClinGen allele CA2922557.